The following is an entry in ClinVar:

NM_001040142.2(SCN2A):c.4596C>A (p.Val1532=)

Gene: SCN2A (sodium voltage-gated channel alpha subunit 2; plus strand). Cytogenetic location: 2q24.3.
Variant type: single nucleotide variant.
Coding change: c.4596C>A on transcript NM_001040142.2 (MANE Select); coding-DNA position 4596, C replaced by A.
Protein change: p.Val1532=; no amino-acid change (valine 1532 retained).
Molecular consequence: synonymous variant.
Genome position (GRCh38, 1-based): chr2:165,386,790, C>A. VCF-style: chr2-165386790-C-A. GRCh37 (hg19) VCF-style: chr2-166243300-C-A.
Other names: c.4596C>A, p.Val1532= (NM_001040143.2, NM_001371246.1, NM_001371247.1 and 1 more transcripts).
Identifiers: ClinVar variation 2627117 (VCV002627117.4), dbSNP rs371690453, ClinGen allele CA1940305.
Genomic context (GRCh38, chr2:165,386,790, plus strand): 5'-ATATTATTTGTTCCAGAACAAATTCCAAGGAATGGTCTTTGATTTTGTAACCAAACAAGT[C>A]TTTGATATCAGCATCATGATCCTCATCTGCCTTAACATGGTCACCATGATGGTGGAAACC-3'
Protein context (NP_001035232.1, residues 1522-1542): GMVFDFVTKQ[Val1532=]FDISIMILIC

ClinVar aggregate classification (germline): Likely benign. Review status: criteria provided, multiple submitters, no conflicts (2 of 4 stars). 2 submissions from 2 submitters: Likely benign (2). Last evaluated 2023-12-31.

Conditions:
Seizures, benign familial infantile, 3 (BFIS3). Also called: CONVULSIONS, BENIGN FAMILIAL INFANTILE, 3; Familial neonatal seizures. Identifiers: Orphanet 140927, Orphanet 306, MedGen C1843140, MONDO:0011904, OMIM 607745.
Developmental and epileptic encephalopathy, 11 (DEE11). Also called: Early infantile epileptic encephalopathy 11. Identifiers: Orphanet 1934, MedGen C3150987, MONDO:0013388, OMIM 613721.

Allele frequency attached by ClinVar (database versions not stated): gnomAD exomes below 0.00001; TOPMed below 0.00001; ExAC 0.00001; ESP Exome Variant Server 0.00008.
gnomAD v4.1: 1 of 1,613,712 alleles (0.000062%); highest among the groups gnomAD compares: African/African-American, 0.0013%; no homozygotes.

Submissions (2):

Labcorp Genetics (formerly Invitae), Labcorp
Classification: Likely benign for Seizures, benign familial infantile, 3; Developmental and epileptic encephalopathy, 11. Last evaluated: 2023-12-31. Review status: criteria provided, single submitter. Criteria: Invitae Variant Classification Sherloc (09022015). Collection method: clinical testing. Allele origin: germline.

Women's Health and Genetics/Laboratory Corporation of America, LabCorp
Classification: Likely benign. Last evaluated: 2023-09-05. Review status: criteria provided, single submitter. Criteria: LabCorp Variant Classification Summary - May 2015. Collection method: clinical testing. Allele origin: germline.
Comment: Variant summary: SCN2A c.4596C>A alters a non-conserved nucleotide resulting in a synonymous change. Consensus agreement among computation tools predict no significant impact on normal splicing. However, these predictions have yet to be confirmed by functional studies. The variant allele was found at a frequency of 4e-06 in 250746 control chromosomes (i.e., 1 heterozygote; gnomAD v2.1 Exomes dataset). The available data on variant occurrences in the general population are insufficient to allow any conclusion about variant significance. To our knowledge, no occurrence of c.4596C>A in individuals affected with Early Infantile Epileptic Encephalopathy 11 and no experimental evidence demonstrating its impact on protein function have been reported. No submitters have reported clinical-significance assessments for this variant to ClinVar after 2014. Based on the evidence outlined above, the variant was classified as likely benign.